The following is an entry in ClinVar:

NM_152703.5(SAMD9L):c.4141C>T (p.Gln1381Ter)

Gene: SAMD9L (sterile alpha motif domain containing 9 like; minus strand). Cytogenetic location: 7q21.2.
Variant type: single nucleotide variant.
Coding change: c.4141C>T on transcript NM_152703.5 (MANE Select); coding-DNA position 4141, C replaced by T.
Protein change: p.Gln1381Ter; replaces glutamine 1381 with a stop codon.
Molecular consequence: nonsense.
Genome position (GRCh38, 1-based): chr7:93,131,831, G>A on the plus strand (C>T on the coding strand, the complement: SAMD9L is on the minus strand). VCF-style: chr7-93131831-G-A. GRCh37 (hg19) VCF-style: chr7-92761144-G-A.
Other names: c.4141C>T, p.Gln1381Ter (NM_001303496.3, NM_001303497.3, NM_001303498.3 and 5 more transcripts); short protein forms Q1381*.
Identifiers: ClinVar variation 4085232 (VCV004085232.8).
Genomic context (GRCh38, chr7:93,131,831, plus strand): 5'-GAATTAACTTGGAGTTGGGCTTTAGACAACTCAGAATAATGTTGGCCAAAATGGAATTTT[G>A]TTTCTCATTTGTCATGGGCTTTTTTGAGTTTTGCTGCAGTAGGAAGGCATATTCATTCAC-3'

ClinVar aggregate classification (germline): Uncertain significance (1 of 4 stars; one submission).

Submission:

CeGaT Center for Human Genetics Tuebingen
Classification: Uncertain significance. Last evaluated: 2025-06-01. Review status: criteria provided, single submitter. Criteria: CeGaT Center For Human Genetics Tuebingen Variant Classification Criteria Version 2. Collection method: clinical testing. Allele origin: germline. Affected: yes. Observed: 1 variant allele.
Comment: SAMD9L: PM2